The following is an entry in ClinVar:

ClinVar aggregate classification (germline): Uncertain significance. Review status: criteria provided, multiple submitters, no conflicts (2 of 4 stars). 4 submissions from 4 submitters: Uncertain significance (4). Last evaluated 2024-07-28.

Conditions:
Familial adenomatous polyposis 3. Also called: NTHL1-Related Adenomatous Polyposis and Colorectal Cancer; NTHL1-associated polyposis; NTHL1 Tumor Syndrome; NTHL1-related attenuated familial adenomatous polyposis. Identifiers: Orphanet 220460, Orphanet 454840, MedGen C4225157, MONDO:0014630, OMIM 616415.
Hereditary cancer-predisposing syndrome. Also called: Tumor predisposition; Neoplastic Syndromes, Hereditary; Hereditary Cancer Syndrome; Hereditary neoplastic syndrome. Identifiers: Orphanet 140162, MedGen C0027672, MeSH D009386, MONDO:0015356.

gnomAD v4.1: 2 of 1,613,696 alleles (0.00012%); highest among the groups gnomAD compares: Non-Finnish European, 0.00017%; no homozygotes.

Submissions (4):

Ambry Genetics
Classification: Uncertain significance for Hereditary cancer-predisposing syndrome. Last evaluated: 2024-07-28. Review status: criteria provided, single submitter. Criteria: Ambry Variant Classification Scheme 2023. Collection method: clinical testing. Allele origin: germline.
Comment: The p.H243P variant (also known as c.728A>C), located in coding exon 5 of the NTHL1 gene, results from an A to C substitution at nucleotide position 728. The histidine at codon 243 is replaced by proline, an amino acid with similar properties. This amino acid position is conserved. In addition, this alteration is predicted to be deleterious by in silico analysis. Based on the available evidence, the clinical significance of this variant remains unclear.

Labcorp Genetics (formerly Invitae), Labcorp
Classification: Uncertain significance. Last evaluated: 2024-06-12. Review status: criteria provided, single submitter. Criteria: Invitae Variant Classification Sherloc (09022015). Collection method: clinical testing. Allele origin: germline.
Comment: This sequence change replaces histidine, which is basic and polar, with proline, which is neutral and non-polar, at codon 243 of the NTHL1 protein (p.His243Pro). This variant is not present in population databases (gnomAD no frequency). This variant has not been reported in the literature in individuals affected with NTHL1-related conditions. ClinVar contains an entry for this variant (Variation ID: 1496545). An algorithm developed to predict the effect of missense changes on protein structure and function (PolyPhen-2) suggests that this variant is likely to be disruptive. In summary, the available evidence is currently insufficient to determine the role of this variant in disease. Therefore, it has been classified as a Variant of Uncertain Significance.

Baylor Genetics
Classification: Uncertain significance for Familial adenomatous polyposis 3. Last evaluated: 2024-03-18. Review status: criteria provided, single submitter. Criteria: ACMG Guidelines, 2015. Collection method: clinical testing. Allele origin: unknown.

Quest Diagnostics Nichols Institute San Juan Capistrano
Classification: Uncertain significance. Last evaluated: 2021-07-20. Review status: criteria provided, single submitter. Criteria: Quest Diagnostics criteria. Collection method: clinical testing. Allele origin: unknown.

NM_002528.7(NTHL1):c.704A>C (p.His235Pro)

Gene: NTHL1 (nth like DNA glycosylase 1; minus strand). Cytogenetic location: 16p13.3.
Variant type: single nucleotide variant.
Coding change: c.704A>C on transcript NM_002528.7 (MANE Select); coding-DNA position 704, A replaced by C.
Protein change: p.His235Pro; replaces histidine 235 with proline.
Molecular consequence: missense variant.
Genome position (GRCh38, 1-based): chr16:2,040,220, T>G on the plus strand (A>C on the coding strand, the complement: NTHL1 is on the minus strand). VCF-style: chr16-2040220-T-G. GRCh37 (hg19) VCF-style: chr16-2090221-T-G.
Other names: c.533A>C, p.His178Pro (NM_001318193.2); c.374A>C, p.His125Pro (NM_001318194.2); c.728A>C (NM_002528.5); short protein forms H125P, H235P, H178P.
Identifiers: ClinVar variation 1496545 (VCV001496545.10), dbSNP rs2150938418, ClinGen allele CA394289283.